The following is an entry in ClinVar:

NC_012920.1(MT-CYB):m.15682A>G

Gene: MT-CYB (mitochondrially encoded cytochrome b; plus strand).
Variant type: single nucleotide variant.
Genome position: chrM-15682-A-G.
Identifiers: ClinVar variation 143897 (VCV000143897.4), dbSNP rs527236192, ClinGen allele CA270621.

ClinVar aggregate classification (germline): Benign. Review status: criteria provided, single submitter (1 of 4 stars). 2 submissions from 2 submitters: Benign (1). 1 of the submissions does not count toward it. Last evaluated 2022-05-04.

Conditions:
Familial cancer of breast. Also called: BREAST CANCER, FAMILIAL; Hereditary breast cancer; hereditary breast carcinoma. Identifiers: Orphanet 227535, MedGen C0346153, MONDO:0016419, OMIM 114480. Disease mechanism: loss of function.

Submissions (2):

Mendelics
Classification: Benign. Last evaluated: 2022-05-04. Review status: criteria provided, single submitter. Criteria: Mendelics Assertion Criteria 2019. Collection method: clinical testing. Allele origin: germline.

Department of Zoology Govt. MVM College
Classification: Likely pathogenic for Familial cancer of breast. Review status: no assertion criteria provided. Collection method: not provided. Allele origin: unknown. Not counted in ClinVar's aggregate classification.
Comment: KM276969
ClinVar note: Converted during submission from probable-pathogenic to Likely pathogenic.